The following is an entry in ClinVar:

ClinVar aggregate classification (germline): Uncertain significance (1 of 4 stars; one submission).

Allele frequency attached by ClinVar (database versions not stated): gnomAD exomes 0.00001.
gnomAD v4.1: 11 of 1,612,666 alleles (0.00068%); highest among the groups gnomAD compares: Non-Finnish European, 0.00093%; no homozygotes.

Submission:

Labcorp Genetics (formerly Invitae), Labcorp
Classification: Uncertain significance. Last evaluated: 2022-11-08. Review status: criteria provided, single submitter. Criteria: Invitae Variant Classification Sherloc (09022015). Collection method: clinical testing. Allele origin: germline.
Comment: This variant is not present in population databases (gnomAD no frequency). This sequence change replaces lysine, which is basic and polar, with glutamine, which is neutral and polar, at codon 72 of the COL9A3 protein (p.Lys72Gln). In summary, the available evidence is currently insufficient to determine the role of this variant in disease. Therefore, it has been classified as a Variant of Uncertain Significance. Advanced modeling of protein sequence and biophysical properties (such as structural, functional, and spatial information, amino acid conservation, physicochemical variation, residue mobility, and thermodynamic stability) performed at Invitae indicates that this missense variant is not expected to disrupt COL9A3 protein function. This variant has not been reported in the literature in individuals affected with COL9A3-related conditions.

NM_001853.4(COL9A3):c.214A>C (p.Lys72Gln)

Gene: COL9A3 (collagen type IX alpha 3 chain; plus strand). Cytogenetic location: 20q13.33.
Variant type: single nucleotide variant.
Coding change: c.214A>C on transcript NM_001853.4 (MANE Select); coding-DNA position 214, A replaced by C.
Protein change: p.Lys72Gln; replaces lysine 72 with glutamine.
Molecular consequence: missense variant.
Genome position (GRCh38, 1-based): chr20:62,819,252, A>C. VCF-style: chr20-62819252-A-C. GRCh37 (hg19) VCF-style: chr20-61450604-A-C.
Other names: short protein forms K72Q.
Identifiers: ClinVar variation 1927552 (VCV001927552.5), dbSNP rs2516022713, ClinGen allele CA409587542.